The following is an entry in ClinVar:

ClinVar aggregate classification (germline): Uncertain significance (1 of 4 stars; one submission).

Allele frequency attached by ClinVar (database versions not stated): gnomAD 0.00001.

Submission:

GeneDx
Classification: Uncertain significance. Last evaluated: 2022-04-12. Review status: criteria provided, single submitter. Criteria: GeneDx Variant Classification Process June 2021. Collection method: clinical testing. Allele origin: germline. Affected: yes.
Comment: Not observed at significant frequency in large population cohorts (gnomAD); In silico analysis supports that this missense variant has a deleterious effect on protein structure/function; Identified via whole exome sequencing in an individual with congenital heart disease without additional clinical information (Kosmicki et al., 2017; Edwards et al., 2020); This variant is associated with the following publications: (PMID: 32368696, 28191890)

NM_015335.5(MED13L):c.6392C>T (p.Ser2131Leu)

Gene: MED13L (mediator complex subunit 13L; minus strand). Cytogenetic location: 12q24.21.
Variant type: single nucleotide variant.
Coding change: c.6392C>T on transcript NM_015335.5 (MANE Select); coding-DNA position 6392, C replaced by T.
Protein change: p.Ser2131Leu; replaces serine 2131 with leucine.
Molecular consequence: missense variant.
Genome position (GRCh38, 1-based): chr12:115,963,515, G>A on the plus strand (C>T on the coding strand, the complement: MED13L is on the minus strand). VCF-style: chr12-115963515-G-A. GRCh37 (hg19) VCF-style: chr12-116401320-G-A.
Other names: short protein forms S2131L.
Identifiers: ClinVar variation 1710813 (VCV001710813.2), dbSNP rs1875915792, ClinGen allele CA386873942.
Genomic context (GRCh38, chr12:115,963,515, plus strand): 5'-TGAGAATTCCTGGCAGGCAGAAGTTCGTCTGTCTGTGCTACTGAAATGTGGTGATGCAGC[G>A]AAGCCTGGTGAAAAAACAAAGAGAGTTACCTCTCTGGTCTAGACAATCACAGTGCAGAAG-3'
Protein context (NP_056150.1, residues 2121-2141): QNQCPLFLKA[Ser2131Leu]LHHHISVAQT